The following is an entry in ClinVar:

NM_004970.3(IGFALS):c.1094C>T (p.Ala365Val)

Gene: IGFALS (insulin like growth factor binding protein acid labile subunit; minus strand). Cytogenetic location: 16p13.3.
Variant type: single nucleotide variant.
Coding change: c.1094C>T on transcript NM_004970.3 (MANE Select); coding-DNA position 1094, C replaced by T.
Protein change: p.Ala365Val; replaces alanine 365 with valine.
Molecular consequence: missense variant. On other transcripts: non-coding transcript variant (1).
Genome position (GRCh38, 1-based): chr16:1,791,324, G>A on the plus strand (C>T on the coding strand, the complement: IGFALS is on the minus strand). VCF-style: chr16-1791324-G-A. GRCh37 (hg19) VCF-style: chr16-1841325-G-A.
Other names: c.1208C>T, p.Ala403Val (NM_001146006.2); short protein forms A403V, A365V.
Identifiers: ClinVar variation 1028833 (VCV001028833.1), dbSNP rs773502836, ClinGen allele CA7820401.
Genomic context (GRCh38, chr16:1,791,324, plus strand): 5'-AGGCCCCGGAACACCTGCTCCGGAAGGTTCCGGAGACAGTTCCCAGAGAGGTTCATGACC[G>A]CCACGTTGGTGAGGCCGAGGAAAGCGCCCGCCTTGACCTCCTGGAGCTGGTTGTGGTCTA-3'
Protein context (NP_004961.1, residues 355-375): AGAFLGLTNV[Ala365Val]VMNLSGNCLR

ClinVar aggregate classification (germline): Uncertain significance (1 of 4 stars; one submission).

Conditions:
Short stature due to primary acid-labile subunit deficiency. Also called: Acid-labile subunit deficiency; Acid-labile subunit, deficiency of. Identifiers: Orphanet 140941, MedGen C3900122, MONDO:0014420, OMIM 615961.

Allele frequency attached by ClinVar (database versions not stated): ExAC 0.00005; gnomAD exomes 0.00006 and 0.00020; gnomAD 0.00007 and 0.00008; TOPMed 0.00010.
gnomAD v4.1: 295 of 1,608,426 alleles (0.018%); highest among the groups gnomAD compares: Non-Finnish European, 0.023%; no homozygotes.

Submission:

Baylor Genetics
Classification: Uncertain significance for Short stature due to primary acid-labile subunit deficiency. Last evaluated: 2019-04-29. Review status: criteria provided, single submitter. Criteria: ACMG Guidelines, 2015. Collection method: clinical testing. Allele origin: paternal. Affected: yes.
Comment: This variant was determined to be of uncertain significance according to ACMG Guidelines, 2015 [PMID:25741868].